The following is an entry in ClinVar:

NM_014244.5(ADAMTS2):c.102_129dup (p.Asp44fs)

Gene: ADAMTS2 (ADAM metallopeptidase with thrombospondin type 1 motif 2; minus strand). Cytogenetic location: 5q35.3.
Variant type: Duplication.
Coding change: c.102_129dup on transcript NM_014244.5 (MANE Select); coding-DNA positions 102 to 129, 28 bases duplicated (CGCGAACGCCAGGCTCGCCGCCGCCGCC).
Protein change: p.Asp44fs; shifts the reading frame from aspartic acid 44.
Molecular consequence: frameshift variant.
Genome position (GRCh38, 1-based): chr5:179,345,200-179,345,227, GGCGGCGGCGGCGAGCCTGGCGTTCGCG duplicated on the plus strand (CGCGAACGCCAGGCTCGCCGCCGCCGCC on the coding strand, the reverse complement: ADAMTS2 is on the minus strand); duplicating any 28 consecutive bases within chr5:179,345,200-179,345,240 gives the same sequence; the c. name uses the placement nearest the transcript's 3' end. VCF-style (leftmost placement, unchanged base first): chr5-179345199-C-CGGCGGCGGCGGCGAGCCTGGCGTTCGCG. GRCh37 (hg19) VCF-style: chr5-178772200-C-CGGCGGCGGCGGCGAGCCTGGCGTTCGCG.
Other names: c.102_129dup, p.Asp44fs (NM_021599.4); short protein forms D44fs.
Identifiers: ClinVar variation 3679120 (VCV003679120.2).

ClinVar aggregate classification (germline): Pathogenic (1 of 4 stars; one submission).

Conditions:
Ehlers-Danlos syndrome, dermatosparaxis type. Also called: EDS VIIC; Dermatosparaxis; Ehlers-Danlos syndrome, type VII, autosomal recessive. Identifiers: Orphanet 1901, MedGen C2700425, MONDO:0009161, OMIM 225410.

Submission:

Labcorp Genetics (formerly Invitae), Labcorp
Classification: Pathogenic for Ehlers-Danlos syndrome, dermatosparaxis type. Last evaluated: 2025-08-09. Review status: criteria provided, single submitter. Criteria: Invitae Variant Classification Sherloc (09022015). Collection method: clinical testing. Allele origin: germline.
Comment: This sequence change creates a premature translational stop signal (p.Asp44Argfs*31) in the ADAMTS2 gene. It is expected to result in an absent or disrupted protein product. Loss-of-function variants in ADAMTS2 are known to be pathogenic (PMID: 10417273). This variant is not present in population databases (gnomAD no frequency). This variant has not been reported in the literature in individuals affected with ADAMTS2-related conditions. ClinVar contains an entry for this variant (Variation ID: 3679120). For these reasons, this variant has been classified as Pathogenic.

Literature cited by the submitters: PubMed 10417273.